The following is an entry in ClinVar:

NM_001194998.2(CEP152):c.1578-1G>A

Gene: CEP152 (centrosomal protein 152; minus strand). Cytogenetic location: 15q21.1.
Variant type: single nucleotide variant.
Coding change: c.1578-1G>A on transcript NM_001194998.2 (MANE Select); the canonical splice acceptor site of the intron before coding-DNA position 1578, G replaced by A.
Molecular consequence: splice acceptor variant.
Genome position (GRCh38, 1-based): chr15:48,772,692, C>T on the plus strand (G>A on the coding strand, the complement: CEP152 is on the minus strand). VCF-style: chr15-48772692-C-T. GRCh37 (hg19) VCF-style: chr15-49064889-C-T.
Other names: c.1578-1G>A (NM_014985.4, NM_001194998.1).
Identifiers: ClinVar variation 2068469 (VCV002068469.6), dbSNP rs199773611, ClinGen allele CA7548794.

ClinVar aggregate classification (germline): Likely pathogenic. Review status: criteria provided, multiple submitters, no conflicts (2 of 4 stars). 3 submissions from 3 submitters: Likely pathogenic (3). Last evaluated 2025-06-25.

Conditions:
CEP152-related disorder. Also called: CEP152-related condition; CEP152-related disorders. Identifiers: MedGen CN239248.

Allele frequency attached by ClinVar (database versions not stated): ExAC 0.00002; gnomAD exomes 0.00005; TOPMed 0.00006; ESP Exome Variant Server 0.00008; gnomAD 0.00008.
gnomAD v4.1: 85 of 1,612,234 alleles (0.0053%); highest among the groups gnomAD compares: Non-Finnish European, 0.0068%; no homozygotes.

Submissions (3):

GeneDx
Classification: Likely pathogenic. Last evaluated: 2025-06-25. Review status: criteria provided, single submitter. Criteria: GeneDx Variant Classification Process June 2021. Collection method: clinical testing. Allele origin: germline. Affected: yes.
Comment: Canonical splice site variant predicted to result in a null allele in a gene for which loss of function is a known mechanism of disease; Not observed at significant frequency in large population cohorts (gnomAD); Has not been previously published as pathogenic or benign to our knowledge

Labcorp Genetics (formerly Invitae), Labcorp
Classification: Likely pathogenic. Last evaluated: 2024-06-27. Review status: criteria provided, single submitter. Criteria: Invitae Variant Classification Sherloc (09022015). Collection method: clinical testing. Allele origin: germline.
Comment: This sequence change affects an acceptor splice site in intron 12 of the CEP152 gene. It is expected to disrupt RNA splicing. Variants that disrupt the donor or acceptor splice site typically lead to a loss of protein function (PMID: 16199547), and loss-of-function variants in CEP152 are known to be pathogenic (PMID: 21131973). This variant is present in population databases (rs199773611, gnomAD 0.01%). This variant has not been reported in the literature in individuals affected with CEP152-related conditions. ClinVar contains an entry for this variant (Variation ID: 2068469). Algorithms developed to predict the effect of sequence changes on RNA splicing suggest that this variant may disrupt the consensus splice site. In summary, the currently available evidence indicates that the variant is pathogenic, but additional data are needed to prove that conclusively. Therefore, this variant has been classified as Likely Pathogenic.

PreventionGenetics, part of Exact Sciences
Classification: Likely pathogenic for CEP152-related condition. Last evaluated: 2022-12-10. Review status: criteria provided, single submitter. Criteria: ACMG Guidelines, 2015. Collection method: clinical testing. Allele origin: germline.
Comment: The CEP152 c.1578-1G>A variant is predicted to disrupt the AG splice acceptor site and interfere with normal splicing. To our knowledge, this variant has not been reported in the literature. This variant is reported in 0.010% of alleles in individuals of European (Non-Finnish) descent in gnomAD. Variants that disrupt the consensus splice acceptor site in CEP152 are expected to be pathogenic (Human Gene Mutation Database; Kalay et al. 2011. PubMed ID: 21131973). This variant is interpreted as likely pathogenic.

Literature cited by the submitters: PubMed 16199547 (cited by Labcorp Genetics (formerly Invitae), Labcorp); PubMed 21131973 (cited by Labcorp Genetics (formerly Invitae), Labcorp).